The following is an entry in ClinVar:

NM_006432.5(NPC2):c.216C>T (p.Ala72=)

Gene: NPC2 (NPC intracellular cholesterol transporter 2; minus strand). Cytogenetic location: 14q24.3.
Variant type: single nucleotide variant.
Coding change: c.216C>T on transcript NM_006432.5 (MANE Select); coding-DNA position 216, C replaced by T.
Protein change: p.Ala72=; no amino-acid change (alanine 72 retained).
Molecular consequence: synonymous variant.
Genome position (GRCh38, 1-based): chr14:74,484,562, G>A on the plus strand (C>T on the coding strand, the complement: NPC2 is on the minus strand). VCF-style: chr14-74484562-G-A. GRCh37 (hg19) VCF-style: chr14-74951265-G-A.
Other names: c.216C>T, p.Ala72= (NM_001363688.1, NM_001375440.1).
Identifiers: ClinVar variation 1116187 (VCV001116187.32), dbSNP rs773861377, ClinGen allele CA7268166.
Genomic context (GRCh38, chr14:74,484,562, plus strand): 5'-ACCATCAGGCTCAGGAATGGGAAAGGGAACTGGGACGCCCATCAGGATGCCATGCACCAC[G>A]GCCTTGCTGCTTTTAGACTGAATATCTAAGAGAAAAAAAGAGAATCAGATGGCAAAGAAA-3'
Protein context (NP_006423.1, residues 62-82): TSNIQSKSSK[Ala72=]VVHGILMGVP

ClinVar aggregate classification (germline): Likely benign. Review status: criteria provided, multiple submitters, no conflicts (2 of 4 stars). 3 submissions from 3 submitters: Likely benign (3). Last evaluated 2026-03-01.

Conditions:
Inborn genetic diseases. Identifiers: MedGen C0950123, MeSH D030342.
Niemann-Pick disease, type C2 (NPC2). Identifiers: Orphanet 646, MedGen C1843366, MONDO:0011873, OMIM 607625.

Allele frequency attached by ClinVar (database versions not stated): gnomAD exomes 0.00003; ExAC 0.00004.
gnomAD v4.1: 29 of 1,613,864 alleles (0.0018%); highest among the groups gnomAD compares: Admixed American, 0.017%; no homozygotes.

Submissions (3):

CeGaT Center for Human Genetics Tuebingen
Classification: Likely benign. Last evaluated: 2026-03-01. Review status: criteria provided, single submitter. Criteria: CeGaT Center For Human Genetics Tuebingen Variant Classification Criteria Version 2. Collection method: clinical testing. Allele origin: germline. Affected: yes. Observed: 2 variant alleles.
Comment: NPC2: BP4, BP7

Labcorp Genetics (formerly Invitae), Labcorp
Classification: Likely benign for Niemann-Pick disease, type C2. Last evaluated: 2024-05-04. Review status: criteria provided, single submitter. Criteria: Invitae Variant Classification Sherloc (09022015). Collection method: clinical testing. Allele origin: germline.

Ambry Genetics
Classification: Likely benign for Inborn genetic diseases. Last evaluated: 2020-03-26. Review status: criteria provided, single submitter. Criteria: Ambry Variant Classification Scheme 2023. Collection method: clinical testing. Allele origin: germline.